The following is an entry in ClinVar:

NC_000006.12:g.(?_128883236)_(128883367_?)del

Gene: LAMA2 (laminin subunit alpha 2; plus strand). Cytogenetic location: 6q22.33.
Variant type: Deletion.
Identifiers: ClinVar variation 830836 (VCV000830836.1).

ClinVar aggregate classification (germline): Pathogenic (1 of 4 stars; one submission).

Conditions:
LAMA2-related muscular dystrophy (LAMA2-RD). Also called: Laminin alpha 2-related dystrophy. Identifiers: MedGen C5679788, MONDO:0100228.

Submission:

Labcorp Genetics (formerly Invitae), Labcorp
Classification: Pathogenic for Laminin alpha 2-related dystrophy. Last evaluated: 2019-03-04. Review status: criteria provided, single submitter. Criteria: Invitae Variant Classification Sherloc (09022015). Collection method: clinical testing. Allele origin: germline.
Comment: This variant is a gross deletion of the genomic region encompassing exon 1 of the LAMA2 gene, which includes the initiator codon. The 5' end of this event is unknown as it extends beyond the assayed region for this gene and therefore may encompass additional genes. The 3' boundary is likely confined to intron 1 of the LAMA2 gene. This is expected to result in an absent or disrupted protein product. Similar deletions of exon 1 have been observed in individuals with autosomal recessive congenital muscular dystrophy (PMID: 30301903). In at least one individual the data is consistent with the variant being in trans (on the opposite chromosome) from a pathogenic variant. Loss-of-function variants in LAMA2 are known to be pathogenic (PMID: 18700894). For these reasons, this variant has been classified as Pathogenic.

Literature cited by the submitters: PubMed 30301903.